The following is an entry in ClinVar:

ClinVar aggregate classification (germline): Uncertain significance (1 of 4 stars; one submission).

Allele frequency attached by ClinVar (database versions not stated): gnomAD exomes below 0.00001.
gnomAD v4.1: 1 of 1,614,134 alleles (0.000062%); highest among the groups gnomAD compares: East Asian, 0.0022%; no homozygotes.

Submission:

Labcorp Genetics (formerly Invitae), Labcorp
Classification: Uncertain significance. Last evaluated: 2022-05-24. Review status: criteria provided, single submitter. Criteria: Invitae Variant Classification Sherloc (09022015). Collection method: clinical testing. Allele origin: germline.
Comment: In summary, the available evidence is currently insufficient to determine the role of this variant in disease. Therefore, it has been classified as a Variant of Uncertain Significance. Advanced modeling of protein sequence and biophysical properties (such as structural, functional, and spatial information, amino acid conservation, physicochemical variation, residue mobility, and thermodynamic stability) performed at Invitae indicates that this missense variant is not expected to disrupt CPLANE1 protein function. This variant has not been reported in the literature in individuals affected with CPLANE1-related conditions. This variant is present in population databases (no rsID available, gnomAD 0.006%). This sequence change replaces arginine, which is basic and polar, with isoleucine, which is neutral and non-polar, at codon 1845 of the CPLANE1 protein (p.Arg1845Ile).

NM_001384732.1(CPLANE1):c.5534G>T (p.Arg1845Ile)

Gene: CPLANE1 (ciliogenesis and planar polarity effector complex subunit 1; minus strand). Cytogenetic location: 5p13.2.
Variant type: single nucleotide variant.
Coding change: c.5534G>T on transcript NM_001384732.1 (MANE Select); coding-DNA position 5534, G replaced by T.
Protein change: p.Arg1845Ile; replaces arginine 1845 with isoleucine.
Molecular consequence: missense variant.
Genome position (GRCh38, 1-based): chr5:37,180,893, C>A on the plus strand (G>T on the coding strand, the complement: CPLANE1 is on the minus strand). VCF-style: chr5-37180893-C-A. GRCh37 (hg19) VCF-style: chr5-37180995-C-A.
Other names: c.5534G>T, p.Arg1845Ile (NM_023073.4); short protein forms R1845I.
Identifiers: ClinVar variation 2155417 (VCV002155417.3), dbSNP rs1247860468, ClinGen allele CA359490893.